The following is an entry in ClinVar:

NM_022369.4(STRA6):c.1771G>A (p.Ala591Thr)

Gene: STRA6 (signaling receptor and transporter of retinol STRA6; minus strand). Cytogenetic location: 15q24.1.
Variant type: single nucleotide variant.
Coding change: c.1771G>A on transcript NM_022369.4 (MANE Select); coding-DNA position 1771, G replaced by A.
Protein change: p.Ala591Thr; replaces alanine 591 with threonine.
Molecular consequence: missense variant.
Genome position (GRCh38, 1-based): chr15:74,180,851, C>T on the plus strand (G>A on the coding strand, the complement: STRA6 is on the minus strand). VCF-style: chr15-74180851-C-T. GRCh37 (hg19) VCF-style: chr15-74473192-C-T.
Other names: c.1771G>A, p.Ala591Thr (NM_001142617.2, NM_001142618.2); c.1744G>A, p.Ala582Thr (NM_001142619.2); c.1882G>A, p.Ala628Thr (NM_001199040.2); c.1816G>A, p.Ala606Thr (NM_001199041.2); c.1888G>A, p.Ala630Thr (NM_001199042.2); short protein forms A591T, A606T, A582T, A630T, A628T.
Identifiers: ClinVar variation 317099 (VCV000317099.18), dbSNP rs115331762, ClinGen allele CA7654446.

ClinVar aggregate classification (germline): Benign/Likely benign. Review status: criteria provided, multiple submitters, no conflicts (2 of 4 stars). 5 submissions from 5 submitters: Benign (2); Likely benign (3). Last evaluated 2025-10-09.

Conditions:
Microphthalmia, syndromic 9. Also called: ANOPHTHALMIA, CLINICAL, WITH MILD FACIAL DYSMORPHISM AND VARIABLE MALFORMATIONS OF THE LUNG, HEART, AND DIAPHRAGM; ANOPHTHALMIA/MICROPHTHALMIA AND PULMONARY HYPOPLASIA; Matthew-Wood syndrome; PULMONARY AGENESIS, MICROPHTHALMIA, AND DIAPHRAGMATIC DEFECT; SPEAR SYNDROME. Identifiers: Orphanet 2470, MedGen C1832661, MONDO:0011010, OMIM 601186.

Allele frequency attached by ClinVar (database versions not stated): gnomAD exomes 0.00052 and 0.00155; ExAC 0.00206; gnomAD 0.00613 and 0.00660; TOPMed 0.00673; ESP Exome Variant Server 0.00731; 1000 Genomes Project 0.00799; 1000 Genomes Project 30x 0.00812.
gnomAD v4.1: 1,724 of 1,614,126 alleles (0.11%); highest among the groups gnomAD compares: African/African-American, 2.1%; 24 homozygotes.

Submissions (5):

Labcorp Genetics (formerly Invitae), Labcorp
Classification: Benign for Microphthalmia, syndromic 9. Last evaluated: 2025-10-09. Review status: criteria provided, single submitter. Criteria: Invitae Variant Classification Sherloc (09022015). Collection method: clinical testing. Allele origin: germline.

GeneDx
Classification: Likely benign. Last evaluated: 2019-04-09. Review status: criteria provided, single submitter. Criteria: GeneDx Variant Classification Process June 2021. Collection method: clinical testing. Allele origin: germline. Affected: yes.

Illumina Laboratory Services, Illumina
Classification: Benign for Microphthalmia, syndromic 9. Last evaluated: 2018-01-13. Review status: criteria provided, single submitter. Criteria: ICSL Variant Classification Criteria 13 December 2019. Collection method: clinical testing. Allele origin: germline.
Comment: This variant was observed in the ICSL laboratory as part of a predisposition screen in an ostensibly healthy population. It had not been previously curated by ICSL or reported in the Human Gene Mutation Database (HGMD: prior to June 1st, 2018), and was therefore a candidate for classification through an automated scoring system. Utilizing variant allele frequency, disease prevalence and penetrance estimates, and inheritance mode, an automated score was calculated to assess if this variant is too frequent to cause the disease. Based on the score and internal cut-off values, a variant classified as benign is not then subjected to further curation. The score for this variant resulted in a classification of benign for this disease.

Center for Pediatric Genomic Medicine, Children's Mercy Hospital and Clinics
Classification: Likely benign. Last evaluated: 2017-03-10. Review status: criteria provided, single submitter. Criteria: ACMG Guidelines, 2015. Collection method: clinical testing. Allele origin: germline.

Breakthrough Genomics
Classification: Likely benign. Review status: criteria provided, single submitter. Criteria: ACMG Guidelines, 2015. Collection method: not provided. Allele origin: germline. Inheritance: Autosomal recessive inheritance. Affected: yes.